The following is an entry in ClinVar:

NM_002242.4(KCNJ13):c.833C>A (p.Thr278Asn)

Genes: GIGYF2 (GRB10 interacting GYF protein 2; plus strand), KCNJ13 (potassium inwardly rectifying channel subfamily J member 13; minus strand). Cytogenetic location: 2q37.1.
Variant type: single nucleotide variant.
Coding change: c.833C>A on transcript NM_002242.4 (MANE Select); coding-DNA position 833, C replaced by A.
Protein change: p.Thr278Asn; replaces threonine 278 with asparagine.
Molecular consequence: missense variant. On other transcripts: 3 prime UTR variant (1), intron variant (4).
Genome position (GRCh38, 1-based): chr2:232,768,441, G>T on the plus strand (C>A on the coding strand, the complement: KCNJ13 is on the minus strand). VCF-style: chr2-232768441-G-T. GRCh37 (hg19) VCF-style: chr2-233633151-G-T.
Other names: c.*312C>A (NM_001172416.1); c.593C>A, p.Thr198Asn (NM_001172417.1); c.532+7005G>T (NM_001103146.3, NM_015575.4, NM_001103147.2 and 1 more transcripts); short protein forms T198N, T278N.
Identifiers: ClinVar variation 3706309 (VCV003706309.2).

ClinVar aggregate classification (germline): Uncertain significance (1 of 4 stars; one submission).

Submission:

Labcorp Genetics (formerly Invitae), Labcorp
Classification: Uncertain significance. Last evaluated: 2024-09-11. Review status: criteria provided, single submitter. Criteria: Invitae Variant Classification Sherloc (09022015). Collection method: clinical testing. Allele origin: germline.
Comment: This sequence change replaces threonine, which is neutral and polar, with asparagine, which is neutral and polar, at codon 278 of the KCNJ13 protein (p.Thr278Asn). This variant is not present in population databases (gnomAD no frequency). This variant has not been reported in the literature in individuals affected with KCNJ13-related conditions. Invitae Evidence Modeling of protein sequence and biophysical properties (such as structural, functional, and spatial information, amino acid conservation, physicochemical variation, residue mobility, and thermodynamic stability) has been performed for this missense variant. However, the output from this modeling did not meet the statistical confidence thresholds required to predict the impact of this variant on KCNJ13 protein function. In summary, the available evidence is currently insufficient to determine the role of this variant in disease. Therefore, it has been classified as a Variant of Uncertain Significance.